The following is an entry in ClinVar:

NM_005591.4(MRE11):c.659+1G>A

Gene: MRE11 (MRE11 double strand break repair nuclease; minus strand). Cytogenetic location: 11q21.
Variant type: single nucleotide variant.
Coding change: c.659+1G>A on transcript NM_005591.4 (MANE Select); the canonical splice donor site of the intron after coding-DNA position 659, G replaced by A.
Molecular consequence: splice donor variant.
Genome position (GRCh38, 1-based): chr11:94,476,288, C>T on the plus strand (G>A on the coding strand, the complement: MRE11 is on the minus strand). VCF-style: chr11-94476288-C-T. GRCh37 (hg19) VCF-style: chr11-94209454-C-T.
Other names: c.659+1G>A (NM_001330347.2, NM_005590.4).
Identifiers: ClinVar variation 230014 (VCV000230014.21), dbSNP rs759130031, ClinGen allele CA6235344.

ClinVar aggregate classification (germline): Pathogenic/Likely pathogenic. Review status: criteria provided, multiple submitters, no conflicts (2 of 4 stars). 8 submissions from 8 submitters: Pathogenic (6); Likely pathogenic (1). 1 of the submissions does not count toward it. Last evaluated 2024-10-17.

Conditions:
MRE11-related disorder. Also called: MRE11-related condition.
Ataxia-telangiectasia-like disorder (ATLD). Identifiers: MedGen C1858391, MONDO:0011457.
Hereditary cancer-predisposing syndrome. Also called: Neoplastic Syndromes, Hereditary; Hereditary Cancer Syndrome; Tumor predisposition; Hereditary neoplastic syndrome. Identifiers: Orphanet 140162, MedGen C0027672, MeSH D009386, MONDO:0015356.
Hereditary breast ovarian cancer syndrome. Also called: Hereditary breast and ovarian cancer syndrome; Breast and ovarian cancer; BRCA1- and BRCA2-Associated Hereditary Breast and Ovarian Cancer; Hereditary breast and ovarian cancer syndrome (HBOC); Hereditary breast and ovarian cancer; Hereditary breast and/or ovarian cancer syndrome. Identifiers: Orphanet 145, MedGen C0677776, MeSH D061325, MONDO:0003582. Disease mechanism: loss of function.
Ataxia-telangiectasia-like disorder 1 (ATLD1). Identifiers: Orphanet 251347, MedGen C4012790, MONDO:0024557, OMIM 604391.

Allele frequency attached by ClinVar (database versions not stated): ExAC 0.00002; gnomAD 0.00001; gnomAD exomes 0.00001 and 0.00002.
gnomAD v4.1: 10 of 1,599,742 alleles (0.00063%); highest among the groups gnomAD compares: East Asian, 0.022%; no homozygotes.

Submissions (8):

Ambry Genetics
Classification: Pathogenic for Hereditary cancer-predisposing syndrome. Last evaluated: 2024-10-17. Review status: criteria provided, single submitter. Criteria: Ambry Variant Classification Scheme 2023. Collection method: clinical testing. Allele origin: germline.
Comment: The c.659+1G>A intronic pathogenic mutation results from a G to A substitution one nucleotide after coding exon 6 of the MRE11A gene. This alteration was detected in a patient with a disorder resembling a Nijmegen breakage syndrome-like severe microcephaly but without reported immunodeficiency. The authors performed RT-PCR and sequencing analysis which demonstrated that this mutation results in exon 7 skipping leading to premature protein truncation (Matsumoto Y et al. DNA Repair (Amst.). 2011 Mar;10:314-21). This alteration was also detected in 1/230 unselected Japanese women with ovarian cancer (Hirasawa A et al. Oncotarget. 2017 Dec;8:112258-112267). This nucleotide position is highly conserved in available vertebrate species. In silico splice site analysis predicts that this alteration will weaken the native splice donor site. In addition to the clinical data presented in the literature, alterations that disrupt the canonical splice site are expected to cause aberrant splicing, resulting in an abnormal protein or a transcript that is subject to nonsense-mediated mRNA decay. As such, this alteration is classified as a disease-causing mutation.

Baylor Genetics
Classification: Pathogenic for Ataxia-telangiectasia-like disorder 1. Last evaluated: 2024-03-12. Review status: criteria provided, single submitter. Criteria: ACMG Guidelines, 2015. Collection method: clinical testing. Allele origin: unknown.

Fulgent Genetics
Classification: Likely pathogenic for Ataxia-telangiectasia-like disorder 1. Last evaluated: 2024-02-28. Review status: criteria provided, single submitter. Criteria: ACMG Guidelines, 2015. Collection method: clinical testing. Allele origin: germline.

PreventionGenetics, part of Exact Sciences
Classification: Pathogenic for MRE11-related condition. Last evaluated: 2023-06-02. Review status: criteria provided, single submitter. Criteria: ACMG Guidelines, 2015. Collection method: clinical testing. Allele origin: germline.
Comment: The MRE11 c.659+1G>A variant is predicted to disrupt the GT donor site and interfere with normal splicing. This variant has been reported in individuals with ovarian cancer and/or a family history of cancer (Hirasawa et al. 2017. PubMed ID: 29348823; Table S1, Shao et al. 2019. PubMed ID: 31742824). However, in a study of individuals with pancreatic cancer, this variant was only reported in control subjects (eTable 3, Hu et al. 2018. PubMed ID: 29922827). This variant was also reported in the compound heterozygous state in a patient with Nijmegen breakage syndrome-like severe microcephaly (Patient 1, Matsumoto et al. 2011. PubMed ID: 21227757). This variant is reported in 0.027% of alleles in individuals of East Asian descent in gnomAD and is reported as pathogenic/likely pathogenic in ClinVar. Variants that disrupt the consensus splice donor site in MRE11 are expected to be pathogenic. This variant is interpreted as pathogenic.

Labcorp Genetics (formerly Invitae), Labcorp
Classification: Pathogenic for Ataxia-telangiectasia-like disorder. Last evaluated: 2023-05-22. Review status: criteria provided, single submitter. Criteria: Invitae Variant Classification Sherloc (09022015). Collection method: clinical testing. Allele origin: germline.
Comment: For these reasons, this variant has been classified as Pathogenic. Studies have shown that disruption of this splice site results in skipping of exon 7 and introduces a premature termination codon (PMID: 21227757). The resulting mRNA is expected to undergo nonsense-mediated decay. ClinVar contains an entry for this variant (Variation ID: 230014). Disruption of this splice site has been observed in individual(s) with Nijmegen breakage syndrome-like severe microcephaly or ovarian cancer (PMID: 21227757, 29348823). This variant is present in population databases (rs759130031, gnomAD 0.03%). This sequence change affects a donor splice site in intron 7 of the MRE11 gene. RNA analysis indicates that disruption of this splice site induces altered splicing and may result in an absent or disrupted protein product.

Cancer Genomics Group, Japanese Foundation For Cancer Research
Classification: Pathogenic for Hereditary breast ovarian cancer syndrome. Last evaluated: 2023-03-27. Review status: criteria provided, single submitter. Criteria: ACMG Guidelines, 2015. Collection method: research. Allele origin: germline. Affected: yes.

Genesis Genomics
Classification: Pathogenic for Ataxia-telangiectasia-like disorder 1. Review status: criteria provided, single submitter. Criteria: ACMG Guidelines, 2015. Collection method: clinical testing. Allele origin: germline. Affected: no. Observed: 1 variant allele.

Counsyl
Classification: Likely pathogenic for Ataxia-telangiectasia-like disorder 1. Last evaluated: 2016-07-18. Review status: no assertion criteria provided. Collection method: clinical testing. Allele origin: unknown. Not counted in ClinVar's aggregate classification.

Literature cited by the submitters: PubMed 21227757 (cited by 4 submitters); PubMed 29348823 (cited by Ambry Genetics and Labcorp Genetics (formerly Invitae), Labcorp).